The following is an entry in ClinVar:

ClinVar aggregate classification (germline): Uncertain significance. Review status: criteria provided, multiple submitters, no conflicts (2 of 4 stars). 3 submissions from 3 submitters: Uncertain significance (3). Last evaluated 2025-12-22.

Conditions:
Inborn genetic diseases. Identifiers: MedGen C0950123, MeSH D030342.
Left ventricular noncompaction 8 (LVNC8). Identifiers: Orphanet 154, Orphanet 54260, MedGen C3809288, MONDO:0014152, OMIM 615373.

Allele frequency attached by ClinVar (database versions not stated): gnomAD exomes below 0.00001 and 0.00001; TOPMed below 0.00001.

Submissions (3):

Labcorp Genetics (formerly Invitae), Labcorp
Classification: Uncertain significance for Left ventricular noncompaction 8. Last evaluated: 2025-12-22. Review status: criteria provided, single submitter. Criteria: Invitae Variant Classification Sherloc (09022015). Collection method: clinical testing. Allele origin: germline.
Comment: This sequence change replaces methionine, which is neutral and non-polar, with threonine, which is neutral and polar, at codon 1098 of the PRDM16 protein (p.Met1098Thr). This variant is present in population databases (no rsID available, gnomAD 0.0009%). This variant has not been reported in the literature in individuals affected with PRDM16-related conditions. ClinVar contains an entry for this variant (Variation ID: 546299). An algorithm developed to predict the effect of missense changes on protein structure and function outputs the following: PolyPhen-2: "Benign". The threonine amino acid residue is found in multiple mammalian species, which suggests that this missense change does not adversely affect protein function. In summary, the available evidence is currently insufficient to determine the role of this variant in disease. Therefore, it has been classified as a Variant of Uncertain Significance.

Ambry Genetics
Classification: Uncertain significance for Inborn genetic diseases. Last evaluated: 2024-05-29. Review status: criteria provided, single submitter. Criteria: Ambry Variant Classification Scheme 2023. Collection method: clinical testing. Allele origin: germline.

GeneDx
Classification: Uncertain significance. Last evaluated: 2018-05-14. Review status: criteria provided, single submitter. Criteria: GeneDx Variant Classification (06012015). Collection method: clinical testing. Allele origin: germline. Affected: yes.
Comment: A variant of uncertain significance has been identified in the PRDM16 gene. The M1098T variant has not been published as pathogenic or been reported as benign to our knowledge. This variant is observed in 1/109412 (0.001%) alleles from individuals of European (non-Finnish) ancestry in large population cohorts (Lek et al., 2016). The M1098T variant is a non-conservative amino acid substitution, which is likely to impact secondary protein structure as these residues differ in polarity, charge, size and/or other properties. However, in-silico analyses, including protein predictors and evolutionary conservation, support that this variant does not alter protein structure/function. Therefore, based on the currently available information, it is unclear whether this variant is pathogenic or rare benign.

NM_022114.4(PRDM16):c.3293T>C (p.Met1098Thr)

Gene: PRDM16 (PR/SET domain 16; plus strand). Cytogenetic location: 1p36.32.
Variant type: single nucleotide variant.
Coding change: c.3293T>C on transcript NM_022114.4 (MANE Select); coding-DNA position 3293, T replaced by C.
Protein change: p.Met1098Thr; replaces methionine 1098 with threonine.
Molecular consequence: missense variant.
Genome position (GRCh38, 1-based): chr1:3,430,880, T>C. VCF-style: chr1-3430880-T-C. GRCh37 (hg19) VCF-style: chr1-3347444-T-C.
Other names: c.3293T>C, p.Met1098Thr (NM_199454.3); short protein forms M1098T.
Identifiers: ClinVar variation 546299 (VCV000546299.7), dbSNP rs1319675512, ClinGen allele CA338003674.